The following is an entry in ClinVar:

ClinVar aggregate classification (germline): Uncertain significance. Review status: criteria provided, multiple submitters, no conflicts (2 of 4 stars). 2 submissions from 2 submitters: Uncertain significance (2). Last evaluated 2019-10-16.

Conditions:
Melnick-Needles syndrome (MNS). Also called: MELNICK-NEEDLES OSTEODYSPLASTY; Melnick-Needles Syndrome (FLNA-MNS); OSTEODYSPLASTY OF MELNICK AND NEEDLES. Identifiers: Orphanet 2484, MedGen C0025237, MONDO:0010650, OMIM 309350.
Frontometaphyseal dysplasia (FMD1). Identifiers: Orphanet 1826, MedGen C0265293, MONDO:0015942.
Heterotopia, periventricular, X-linked dominant (PVNH1). Also called: PERIVENTRICULAR NODULAR HETEROTOPIA 4; HETEROTOPIA, PERIVENTRICULAR, 1; PERIVENTRICULAR NODULAR HETEROTOPIA 1; X-linked periventricular heterotopia. Identifiers: Orphanet 2149, Orphanet 82004, MedGen C1848213, MONDO:0010233, OMIM 300049.
Oto-palato-digital syndrome, type II (OPD2). Also called: Otopalatodigital Syndrome Type 2 (FLNA-OPD2); FACIOPALATOOSSEOUS SYNDROME; OPD II SYNDROME; Otopalatodigital Syndrome, Type II. Identifiers: Orphanet 669, Orphanet 90652, MedGen C1844696, MONDO:0010571, OMIM 304120.

gnomAD v4.1: 1 of 1,211,663 alleles (0.000083%); highest among the groups gnomAD compares: Non-Finnish European, 0.00011%; no homozygotes.

Submissions (2):

GeneDx
Classification: Uncertain significance. Last evaluated: 2019-10-16. Review status: criteria provided, single submitter. Criteria: GeneDx Variant Classification Process June 2021. Collection method: clinical testing. Allele origin: germline. Affected: yes.
Comment: Not observed in large population cohorts (Lek et al., 2016); In silico analysis, which includes protein predictors and evolutionary conservation, supports a deleterious effect; Has not been previously published as pathogenic or benign to our knowledge

Labcorp Genetics (formerly Invitae), Labcorp
Classification: Uncertain significance for Oto-palato-digital syndrome, type II; Heterotopia, periventricular, X-linked dominant; Frontometaphyseal dysplasia; Melnick-Needles syndrome. Last evaluated: 2017-09-26. Review status: criteria provided, single submitter. Criteria: Invitae Variant Classification Sherloc (09022015). Collection method: clinical testing. Allele origin: germline.
Comment: This variant is not present in population databases (ExAC no frequency). This variant has not been reported in the literature in individuals with FLNA-related disease. This sequence change replaces cysteine with serine at codon 2099 of the FLNA protein (p.Cys2099Ser). The cysteine residue is highly conserved and there is a moderate physicochemical difference between cysteine and serine. Algorithms developed to predict the effect of missense changes on protein structure and function do not agree on the potential impact of this missense change (SIFT: "Deleterious"; PolyPhen-2: "Benign"; Align-GVGD: "Class C65"). In summary, the available evidence is currently insufficient to determine the role of this variant in disease. Therefore, it has been classified as a Variant of Uncertain Significance.

NM_001110556.2(FLNA):c.6320G>C (p.Cys2107Ser)

Gene: FLNA (filamin A; minus strand). Cytogenetic location: Xq28.
Variant type: single nucleotide variant.
Coding change: c.6320G>C on transcript NM_001110556.2 (MANE Select); coding-DNA position 6320, G replaced by C.
Protein change: p.Cys2107Ser; replaces cysteine 2107 with serine.
Molecular consequence: missense variant.
Genome position (GRCh38, 1-based): chrX:154,352,831, C>G on the plus strand (G>C on the coding strand, the complement: FLNA is on the minus strand). VCF-style: chrX-154352831-C-G. GRCh37 (hg19) VCF-style: chrX-153581199-C-G.
Other names: c.6296G>C, p.Cys2099Ser (NM_001456.4); short protein forms C2099S, C2107S.
Identifiers: ClinVar variation 533580 (VCV000533580.12), dbSNP rs1557176052, ClinGen allele CA415193601.